The following is an entry in ClinVar:

ClinVar aggregate classification (germline): Uncertain significance (1 of 4 stars; one submission).

Submission:

Labcorp Genetics (formerly Invitae), Labcorp
Classification: Uncertain significance. Last evaluated: 2025-08-18. Review status: criteria provided, single submitter. Criteria: Invitae Variant Classification Sherloc (09022015). Collection method: clinical testing. Allele origin: germline.
Comment: This variant, c.4688_4690del, results in the deletion of 1 amino acid(s) of the CAD protein (p.Phe1563del), but otherwise preserves the integrity of the reading frame. This variant is present in population databases (rs767694758, gnomAD 0.04%). This variant has not been reported in the literature in individuals affected with CAD-related conditions. ClinVar contains an entry for this variant (Variation ID: 1514924). Experimental studies and prediction algorithms are not available or were not evaluated, and the functional significance of this variant is currently unknown. In summary, the available evidence is currently insufficient to determine the role of this variant in disease. Therefore, it has been classified as a Variant of Uncertain Significance.

NM_004341.5(CAD):c.4688_4690del (p.Phe1563del)

Gene: CAD (carbamoyl-phosphate synthetase 2, aspartate transcarbamylase, and dihydroorotase; plus strand). Cytogenetic location: 2p23.3.
Variant type: Deletion.
Coding change: c.4688_4690del on transcript NM_004341.5 (MANE Select); coding-DNA positions 4688 to 4690, 3 bases deleted (TCT; older notation c.4688_4690delTCT).
Protein change: p.Phe1563del; deletes phenylalanine 1563.
Molecular consequence: inframe deletion.
Genome position (GRCh38, 1-based): chr2:27,237,842-27,237,844, TCT deleted; deleting any 3 consecutive bases within chr2:27,237,840-27,237,844 gives the same sequence; the c. name uses the placement nearest the transcript's 3' end. VCF-style (leftmost placement, unchanged base first): chr2-27237839-CCTT-C. GRCh37 (hg19) VCF-style: chr2-27460707-CCTT-C.
Other names: c.4499_4501del, p.Phe1500del (NM_001306079.2); short protein forms F1500del, F1563del.
Identifiers: ClinVar variation 1514924 (VCV001514924.6), dbSNP rs767694758, ClinGen allele CA1573609.